The following is an entry in ClinVar:

NM_152564.5(VPS13B):c.11016del (p.Thr3673fs)

Gene: VPS13B (vacuolar protein sorting 13 homolog B; plus strand). Cytogenetic location: 8q22.2.
Variant type: Deletion.
Coding change: c.11016del on transcript NM_152564.5 (MANE Select); coding-DNA position 11016, one base deleted (C; older notation c.11016delC).
Protein change: p.Thr3673fs; shifts the reading frame from threonine 3673.
Molecular consequence: frameshift variant.
Genome position (GRCh38, 1-based): chr8:99,859,452, C deleted; the last of 2 consecutive C bases (chr8:99,859,451-99,859,452); deleting either gives the same sequence. VCF-style (leftmost placement, unchanged base first): chr8-99859450-AC-A. GRCh37 (hg19) VCF-style: chr8-100871678-AC-A.
Other names: c.11091del, p.Thr3698fs (NM_017890.5); short protein forms T3698fs, T3673fs.
Identifiers: ClinVar variation 1959793 (VCV001959793.5), dbSNP rs2492278870, ClinGen allele CA2580079195.
Genomic context (GRCh38, chr8:99,859,450, plus strand): 5'-CTTCCGTATGAGGGGCTGACCCGGGGCCCTGGAGCCTTCGTGAGTGGCGTCTCCAGAGGG[AC>A]CACATCGTTTGTAAAGCACATCTCCAAAGGTAGCGGGTTCCGTTCCTTGTAATAATGCCT-3'

ClinVar aggregate classification (germline): Pathogenic (1 of 4 stars; one submission).

Conditions:
Cohen syndrome (COH1). Also called: Cutis verticis gyrata, retinitis pigmentosa, and sensorineural deafness; PEPPER SYNDROME. Identifiers: Orphanet 193, MedGen C0265223, MONDO:0008999, OMIM 216550.

Submission:

Labcorp Genetics (formerly Invitae), Labcorp
Classification: Pathogenic for Cohen syndrome. Last evaluated: 2022-08-16. Review status: criteria provided, single submitter. Criteria: Invitae Variant Classification Sherloc (09022015). Collection method: clinical testing. Allele origin: germline.
Comment: For these reasons, this variant has been classified as Pathogenic. This variant has not been reported in the literature in individuals affected with VPS13B-related conditions. This sequence change creates a premature translational stop signal (p.Thr3698Hisfs*4) in the VPS13B gene. It is expected to result in an absent or disrupted protein product. Loss-of-function variants in VPS13B are known to be pathogenic (PMID: 15141358, 16648375, 20461111). This variant is not present in population databases (gnomAD no frequency).

Literature cited by the submitters: PubMed 15141358; PubMed 16648375; PubMed 20461111.